The following is an entry in ClinVar:

NC_000015.9:g.(?_32964889)_(33010736_?)dup

Genes: GREM1 (gremlin 1, DAN family BMP antagonist; plus strand), SCG5 (secretogranin V; plus strand). Cytogenetic location: 15q13.3.
Variant type: Duplication.
Identifiers: ClinVar variation 1024935 (VCV001024935.7).

ClinVar aggregate classification (germline): Uncertain significance (1 of 4 stars; one submission).

Conditions:
Familial colorectal cancer. Identifiers: MedGen CN280943, MONDO:0023113. Disease mechanism: loss of function.

Submission:

Labcorp Genetics (formerly Invitae), Labcorp
Classification: Uncertain significance for Familial colorectal cancer. Last evaluated: 2023-10-05. Review status: criteria provided, single submitter. Criteria: Invitae Variant Classification Sherloc (09022015). Collection method: clinical testing. Allele origin: germline.
Comment: A copy number gain of the genomic region encompassing the full coding sequence of the GREM1 gene has been identified. The boundaries of this event are unknown as they extend beyond the assayed region for this gene and therefore may encompass additional genes. As the precise location of this event is unknown, it may be in tandem or it may be located elsewhere in the genome. Isolated whole-gene copy number gain of GREM1 have not been reported in the literature. However, larger copy number events that include this gene have been reported (PMID: 22561515, 25992589, 26493165). In summary, the available evidence is currently insufficient to determine the role of this variant in disease. Therefore, it has been classified as a Variant of Uncertain Significance.

Literature cited by the submitters: PubMed 22561515; PubMed 25992589; PubMed 26493165.